The following is an entry in ClinVar:

ClinVar aggregate classification (germline): Uncertain significance (1 of 4 stars; one submission).

Conditions:
Multiple sulfatase deficiency (MSD). Also called: Mucosulfatidosis; Multiple Sulfatase Deficiency Disease; Sulfatidosis, Juvenile, Austin Type. Identifiers: Orphanet 585, MedGen C0268263, MONDO:0010088, OMIM 272200.

gnomAD v4.1: 2 of 1,614,066 alleles (0.00012%); highest among the groups gnomAD compares: South Asian, 0.0011%; no homozygotes.

Submission:

Labcorp Genetics (formerly Invitae), Labcorp
Classification: Uncertain significance for Multiple sulfatase deficiency. Last evaluated: 2023-10-13. Review status: criteria provided, single submitter. Criteria: Invitae Variant Classification Sherloc (09022015). Collection method: clinical testing. Allele origin: germline.
Comment: This sequence change replaces aspartic acid, which is acidic and polar, with valine, which is neutral and non-polar, at codon 195 of the SUMF1 protein (p.Asp195Val). This variant is not present in population databases (gnomAD no frequency). This variant has not been reported in the literature in individuals affected with SUMF1-related conditions. ClinVar contains an entry for this variant (Variation ID: 1363071). Advanced modeling of protein sequence and biophysical properties (such as structural, functional, and spatial information, amino acid conservation, physicochemical variation, residue mobility, and thermodynamic stability) performed at Invitae indicates that this missense variant is expected to disrupt SUMF1 protein function. In summary, the available evidence is currently insufficient to determine the role of this variant in disease. Therefore, it has been classified as a Variant of Uncertain Significance.

NM_182760.4(SUMF1):c.584A>T (p.Asp195Val)

Gene: SUMF1 (sulfatase modifying factor 1; minus strand). Cytogenetic location: 3p26.1.
Variant type: single nucleotide variant.
Coding change: c.584A>T on transcript NM_182760.4 (MANE Select); coding-DNA position 584, A replaced by T.
Protein change: p.Asp195Val; replaces aspartic acid 195 with valine.
Molecular consequence: missense variant.
Genome position (GRCh38, 1-based): chr3:4,420,082, T>A on the plus strand (A>T on the coding strand, the complement: SUMF1 is on the minus strand). VCF-style: chr3-4420082-T-A. GRCh37 (hg19) VCF-style: chr3-4461766-T-A.
Other names: c.509A>T, p.Asp170Val (NM_001164674.2); c.584A>T, p.Asp195Val (NM_001164675.2); short protein forms D195V, D170V.
Identifiers: ClinVar variation 1363071 (VCV001363071.8), dbSNP rs1233415691, ClinGen allele CA351632858.